The following is an entry in ClinVar:

ClinVar aggregate classification (germline): Benign/Likely benign. Review status: criteria provided, multiple submitters, no conflicts (2 of 4 stars). 5 submissions from 5 submitters: Benign (1); Likely benign (3). 1 of the submissions does not count toward it. Last evaluated 2024-05-18.

Conditions:
Hereditary nonpolyposis colorectal neoplasms. Identifiers: MedGen C0009405, MeSH D003123.
Hereditary cancer-predisposing syndrome. Also called: Hereditary neoplastic syndrome; Neoplastic Syndromes, Hereditary; Tumor predisposition; Hereditary Cancer Syndrome. Identifiers: Orphanet 140162, MedGen C0027672, MeSH D009386, MONDO:0015356.
Lynch syndrome. Identifiers: Orphanet 144, MedGen C4552100, MONDO:0005835. Disease mechanism: loss of function.
Lynch syndrome 5 (LYNCH5). Also called: Colorectal cancer, hereditary nonpolyposis, type 5; Hereditary non-polyposis colorectal cancer, type 5. Identifiers: Orphanet 144, MedGen C1833477, MONDO:0013710, OMIM 614350. Disease mechanism: loss of function.

Submissions (5):

Labcorp Genetics (formerly Invitae), Labcorp
Classification: Likely benign for Hereditary nonpolyposis colorectal neoplasms. Last evaluated: 2024-05-18. Review status: criteria provided, single submitter. Criteria: Invitae Variant Classification Sherloc (09022015). Collection method: clinical testing. Allele origin: germline.

Myriad Genetics, Inc.
Classification: Benign for Lynch syndrome 5. Last evaluated: 2023-03-28. Review status: criteria provided, single submitter. Criteria: Myriad Autosomal Dominant, Autosomal Recessive and X-Linked Classification Criteria (2023). Collection method: clinical testing. Allele origin: unknown.
Comment: This variant is considered benign. This variant is a silent/synonymous amino acid change and it is not expected to impact splicing.

All of Us Research Program, National Institutes of Health
Classification: Likely benign for Lynch syndrome. Last evaluated: 2023-03-23. Review status: criteria provided, single submitter. Criteria: ACMG Guidelines, 2015. Collection method: clinical testing. Allele origin: germline. Inheritance: Autosomal dominant inheritance. Observed: 1 variant allele, 1 heterozygote.
Comment: This study involves interpretation of variants in research participants for the purpose of population health screening. Participant phenotype was not available at the time of variant classification. Additional details can be found in publication PMID: 35346344, PMCID: PMC8962531

Ambry Genetics
Classification: Likely benign for Hereditary cancer-predisposing syndrome. Last evaluated: 2017-03-07. Review status: criteria provided, single submitter. Criteria: Ambry Variant Classification Scheme 2023. Collection method: clinical testing. Allele origin: germline.

Counsyl
Classification: Likely benign for Lynch syndrome 5. Last evaluated: 2016-09-06. Review status: no assertion criteria provided. Collection method: clinical testing. Allele origin: unknown. Not counted in ClinVar's aggregate classification.

NM_000179.3(MSH6):c.3792A>C (p.Leu1264=)

Gene: MSH6 (mutS homolog 6; plus strand). Cytogenetic location: 2p16.3.
Variant type: single nucleotide variant.
Coding change: c.3792A>C on transcript NM_000179.3 (MANE Select); coding-DNA position 3792, A replaced by C.
Protein change: p.Leu1264=; no amino-acid change (leucine 1264 retained).
Molecular consequence: synonymous variant.
Genome position (GRCh38, 1-based): chr2:47,806,349, A>C. VCF-style: chr2-47806349-A-C. GRCh37 (hg19) VCF-style: chr2-48033488-A-C.
Other names: c.3402A>C, p.Leu1134= (NM_001281492.2); c.2886A>C, p.Leu962= (NM_001281493.2, NM_001281494.2).
Identifiers: ClinVar variation 215656 (VCV000215656.17), dbSNP rs786202051, ClinGen allele CA336672.